The following is an entry in ClinVar:

NM_003640.5(ELP1):c.3224A>G (p.Asp1075Gly)

Gene: ELP1 (elongator acetyltransferase complex subunit 1; minus strand). Cytogenetic location: 9q31.3.
Variant type: single nucleotide variant.
Coding change: c.3224A>G on transcript NM_003640.5 (MANE Select); coding-DNA position 3224, A replaced by G.
Protein change: p.Asp1075Gly; replaces aspartic acid 1075 with glycine.
Molecular consequence: missense variant.
Genome position (GRCh38, 1-based): chr9:108,882,186, T>C on the plus strand (A>G on the coding strand, the complement: ELP1 is on the minus strand). VCF-style: chr9-108882186-T-C. GRCh37 (hg19) VCF-style: chr9-111644466-T-C.
Other names: c.2882A>G, p.Asp961Gly (NM_001318360.2); c.2177A>G, p.Asp726Gly (NM_001330749.2); short protein forms D1075G, D726G, D961G.
Identifiers: ClinVar variation 851624 (VCV000851624.6), dbSNP rs1827955472, ClinGen allele CA374413778.

ClinVar aggregate classification (germline): Uncertain significance (1 of 4 stars; one submission).

gnomAD v4.1: 1 of 1,612,836 alleles (0.000062%); highest among the groups gnomAD compares: East Asian, 0.0022%; no homozygotes.

Submission:

Labcorp Genetics (formerly Invitae), Labcorp
Classification: Uncertain significance. Last evaluated: 2021-09-01. Review status: criteria provided, single submitter. Criteria: Invitae Variant Classification Sherloc (09022015). Collection method: clinical testing. Allele origin: germline.
Comment: This sequence change replaces aspartic acid with glycine at codon 1075 of the ELP1 protein (p.Asp1075Gly). The aspartic acid residue is highly conserved and there is a moderate physicochemical difference between aspartic acid and glycine. This variant is not present in population databases (ExAC no frequency). This variant has not been reported in the literature in individuals affected with ELP1-related conditions. Algorithms developed to predict the effect of missense changes on protein structure and function are either unavailable or do not agree on the potential impact of this missense change (SIFT: "Tolerated"; PolyPhen-2: "Probably Damaging"; Align-GVGD: "Class C0"). In summary, the available evidence is currently insufficient to determine the role of this variant in disease. Therefore, it has been classified as a Variant of Uncertain Significance.